The following is an entry in ClinVar:

NM_153252.5(BRWD3):c.3134_3137del (p.Glu1045fs)

Gene: BRWD3 (bromodomain and WD repeat domain containing 3; minus strand). Cytogenetic location: Xq21.1.
Variant type: Microsatellite.
Coding change: c.3134_3137del on transcript NM_153252.5 (MANE Select); coding-DNA positions 3134 to 3137, 4 bases deleted (AAAG; older notation c.3134_3137delAAAG).
Protein change: p.Glu1045fs; shifts the reading frame from glutamic acid 1045.
Molecular consequence: frameshift variant.
Genome position (GRCh38, 1-based): chrX:80,695,922-80,695,925, CTTT deleted on the plus strand (AAAG on the coding strand, the reverse complement: BRWD3 is on the minus strand); deleting any 4 consecutive bases within chrX:80,695,922-80,695,929 gives the same sequence; the c. name uses the placement nearest the transcript's 3' end. VCF-style (leftmost placement, unchanged base first): chrX-80695921-CCTTT-C. GRCh37 (hg19) VCF-style: chrX-79951420-CCTTT-C.
Other names: c.2984_2987del, p.Glu995fs (NM_001441339.1); short protein forms E995fs, E1045fs.
Identifiers: ClinVar variation 4294493 (VCV004294493.1).

ClinVar aggregate classification (germline): Likely pathogenic (1 of 4 stars; one submission).

Conditions:
Intellectual developmental disorder, X-linked 93. Also called: MENTAL RETARDATION, X-LINKED, WITH MACROCEPHALY; Intellectual disability, X-linked 93. Identifiers: MedGen C1970841, MONDO:0010393, OMIM 300659.

Submission:

Molecular Genetics Department, Kulakov National Medical Research Center for Obstetrics, Gynecology and Perinatology
Classification: Likely pathogenic for Intellectual developmental disorder, X-linked 93. Review status: criteria provided, single submitter. Criteria: ACMG Guidelines, 2015. Collection method: clinical testing. Allele origin: germline. Affected: yes. Observed: 1 variant allele.
Comment: A previously undescribed hemizygous nucleotide variant creates a frameshift p.Glu1045GlyfsTer12 in the BRWD3 gene. Hemizygous variants are reported in patients with intellectual developmental disorder, X-linked 93, 300659. The variant is not present in population database (gnomAD no frequency). In summary, the currently available evidence indicates that the variant is pathogenic, but additional data are needed to prove that conclusively. Therefore, this variant has been classified as likely pathogenic.